The following is an entry in ClinVar:

ClinVar aggregate classification (germline): Benign (1 of 4 stars; one submission).

Conditions:
Oligodontia-cancer predisposition syndrome. Also called: TOOTH AGENESIS-COLORECTAL CANCER SYNDROME. Identifiers: Orphanet 300576, MedGen C1837750, MONDO:0012075, OMIM 608615. Disease mechanism: loss of function.

gnomAD v4.1: 4 of 1,613,996 alleles (0.00025%); highest among the groups gnomAD compares: African/African-American, 0.0013%; no homozygotes.

Submission:

Myriad Genetics, Inc.
Classification: Benign for Oligodontia-cancer predisposition syndrome. Last evaluated: 2024-09-25. Review status: criteria provided, single submitter. Criteria: Myriad Autosomal Dominant, Autosomal Recessive and X-Linked Classification Criteria (2023). Collection method: clinical testing. Allele origin: unknown.
Comment: This variant is considered benign. This variant occurs in the non-coding 3' untranslated region of the gene, and is not expected to impact protein function.

NM_004655.4(AXIN2):c.*8G>A

Gene: AXIN2 (axin 2; minus strand). Cytogenetic location: 17q24.1.
Variant type: single nucleotide variant.
Coding change: c.*8G>A on transcript NM_004655.4 (MANE Select); 8 bases downstream of the stop codon, G replaced by A.
Molecular consequence: 3 prime UTR variant.
Genome position (GRCh38, 1-based): chr17:65,529,968, C>T on the plus strand (G>A on the coding strand, the complement: AXIN2 is on the minus strand). VCF-style: chr17-65529968-C-T. GRCh37 (hg19) VCF-style: chr17-63526086-C-T.
Other names: c.*8G>A (NM_001363813.1).
Identifiers: ClinVar variation 3379063 (VCV003379063.1).
Genomic context (GRCh38, chr17:65,529,968, plus strand): 5'-TGCTCACAGCCAAGACAGTTCACAAGAGCTTCGGGCTCCAACAGTTCACCAAAGCCAGAC[C>T]CCAGGGCTCAATCGATCCGCTCCACTTTGCCCAGAATCCGGCCTTCATACATCGGGAGCA-3'